The following is an entry in ClinVar:

ClinVar aggregate classification (germline): Uncertain significance (1 of 4 stars; one submission).

Submission:

GeneDx
Classification: Uncertain significance. Last evaluated: 2025-04-30. Review status: criteria provided, single submitter. Criteria: GeneDx Variant Classification Process June 2021. Collection method: clinical testing. Allele origin: germline. Affected: yes.
Comment: Not observed at significant frequency in large population cohorts (gnomAD); In silico analysis supports that this missense variant has a deleterious effect on protein structure/function; Has not been previously published as pathogenic or benign to our knowledge

NM_133433.4(NIPBL):c.6215A>T (p.Asp2072Val)

Gene: NIPBL (NIPBL cohesin loading factor; plus strand). Cytogenetic location: 5p13.2.
Variant type: single nucleotide variant.
Coding change: c.6215A>T on transcript NM_133433.4 (MANE Select); coding-DNA position 6215, A replaced by T.
Protein change: p.Asp2072Val; replaces aspartic acid 2072 with valine.
Molecular consequence: missense variant.
Genome position (GRCh38, 1-based): chr5:37,044,453, A>T. VCF-style: chr5-37044453-A-T. GRCh37 (hg19) VCF-style: chr5-37044555-A-T.
Other names: c.6215A>T, p.Asp2072Val (NM_001438586.1, NM_015384.5); short protein forms D2072V.
Identifiers: ClinVar variation 4527704 (VCV004527704.1).